The following is an entry in ClinVar:

ClinVar aggregate classification (germline): Conflicting classifications of pathogenicity. Review status: criteria provided, conflicting classifications (1 of 4 stars). 16 submissions from 15 submitters: Uncertain significance (6); Benign (1); Likely benign (5). 4 of the submissions do not count toward it. Last evaluated 2026-03-23.

Conditions:
VWF-related disorder. Also called: VWF-related condition; VWF-related disorders.
von Willebrand disease type 1 (VWD1). Also called: VON WILLEBRAND DISEASE, TYPE I; VWD, TYPE 1. Identifiers: Orphanet 166078, Orphanet 903, MedGen C1264039, MONDO:0008668, OMIM 193400. Inheritance: autosomal recessive or autosomal dominant.
von Willebrand disease type 3 (VWD3). Also called: Type 3 Von Willebrand's disease; Type 3 VWD; Von Willebrand disease, severe form; V WD3; VON WILLEBRAND DISEASE, TYPE III. Identifiers: Orphanet 166096, MedGen C1264041, MONDO:0010191, OMIM 277480.
von Willebrand disease type 2 (VWD2). Also called: VON WILLEBRAND DISEASE, TYPE II; VWD, TYPE 2; VON WILLEBRAND DISEASE, TYPE 2A/IIE; VON WILLEBRAND DISEASE, TYPE 2CB. Identifiers: Orphanet 166081, Orphanet 903, MedGen C1264040, MONDO:0013304, OMIM 613554.
Hereditary von Willebrand disease. Identifiers: Orphanet 903, MedGen C5703318, MONDO:0019565. Inheritance: Autosomal recessive or Autosomal dominant.

Allele frequency attached by ClinVar (database versions not stated): ESP Exome Variant Server 0.00161; TOPMed 0.00193; ExAC 0.00274; 1000 Genomes Project 30x 0.00109; 1000 Genomes Project 0.00140; gnomAD 0.00337 and 0.00352; gnomAD exomes 0.00351 and 0.00410.
gnomAD v4.1: 6,468 of 1,614,124 alleles (0.4%); highest among the groups gnomAD compares: Non-Finnish European, 0.41%; 21 homozygotes.

Submissions (16):

PreventionGenetics, part of Exact Sciences
Classification: Uncertain significance for VWF-related condition. Last evaluated: 2026-03-23. Review status: criteria provided, single submitter. Criteria: ACMG Guidelines, 2015. Collection method: clinical testing. Allele origin: germline.
Comment: The VWF c.7940C>T variant is predicted to result in the amino acid substitution p.Thr2647Met. This variant has been reported in multiple individuals with Von Willebrand disease 1 (For example see: James et al. 2007. PubMed ID: 17190853; Bellissimo et al. 2011. PubMed ID: 22197721; Manderstedt et al. 2019. PubMed ID: 31026269). This variant was reported in 2% of alleles in individuals of European (Finnish) descent in gnomAD v2 with 4 homozygotes. In addition, in gnomAD v4 (available only on GRCh38), this variant is reported with 21 homozygotes across all populations. This population data is not consistent with this variant being a primary cause of severe Von Willebrand disease. This variant has conflicting classifications listed in ClinVar ranging from likely benign to uncertain  (ClinVar ID: 100487). Although we suspect that this variant may be benign, at this time, the clinical significance of this variant is uncertain due to the absence of conclusive functional and genetic evidence.

CeGaT Center for Human Genetics Tuebingen
Classification: Likely benign. Last evaluated: 2025-08-01. Review status: criteria provided, single submitter. Criteria: CeGaT Center For Human Genetics Tuebingen Variant Classification Criteria Version 2. Collection method: clinical testing. Allele origin: germline. Affected: yes. Observed: 2 variant alleles.
Comment: VWF: BP4, BS2

Mayo Clinic Laboratories, Mayo Clinic
Classification: Benign. Last evaluated: 2025-07-07. Review status: criteria provided, single submitter. Criteria: ACMG Guidelines, 2015. Collection method: clinical testing. Allele origin: germline. Observed: 5 variant alleles.
Comment: BS1, BS2, BP4_moderate, BP5

ARUP Laboratories, Molecular Genetics and Genomics, ARUP Laboratories
Classification: Likely benign. Last evaluated: 2024-12-18. Review status: criteria provided, single submitter. Criteria: ARUP Molecular Germline Variant Investigation Process 2024. Collection method: clinical testing. Allele origin: germline.

Blueprint Genetics
Classification: Likely benign. Last evaluated: 2024-11-21. Review status: criteria provided, single submitter. Criteria: ACMG Guidelines, 2015. Collection method: clinical testing. Allele origin: germline.

Quest Diagnostics Nichols Institute San Juan Capistrano
Classification: Likely benign. Last evaluated: 2024-10-21. Review status: criteria provided, single submitter. Criteria: Quest Diagnostics criteria. Collection method: clinical testing. Allele origin: unknown.

Genetics and Molecular Pathology, SA Pathology
Classification: Likely benign for Hereditary von Willebrand disease. Last evaluated: 2019-09-10. Review status: criteria provided, single submitter. Criteria: ACMG Guidelines, 2015. Collection method: clinical testing. Allele origin: germline. Affected: yes.

NIHR Bioresource Rare Diseases, University of Cambridge
Classification: Uncertain significance for von Willebrand disorder. Last evaluated: 2019-02-01. Review status: criteria provided, single submitter. Criteria: ACMG Guidelines, 2015. Collection method: research. Allele origin: unknown. Affected: yes. Observed: 1 heterozygote. Study: ThromboGenomics.

Fulgent Genetics
Classification: Uncertain significance for von Willebrand disease type 1; von Willebrand disease type 3; von Willebrand disease type 2. Last evaluated: 2018-10-31. Review status: criteria provided, single submitter. Criteria: ACMG Guidelines, 2015. Collection method: clinical testing. Allele origin: unknown.

GeneDx
Classification: Uncertain significance. Last evaluated: 2017-06-15. Review status: criteria provided, single submitter. Criteria: GeneDx Variant Classification (06012015). Collection method: clinical testing. Allele origin: germline. Affected: yes.
Comment: The T2647M variant in the VWF gene has been reported previously in individuals with VWF type 1 and in healthy controls (Bellissimo et al., 2012; James et al., 2007a; James et al., 2007b). The T2647M variant is observed in 112/6614 (1.7%) alleles from individuals of Finnish European background including multiple unrelated homozygous individuals in the ExAC dataset, which is greater than expected for this disorder (Lek et al., 2016). This substitution occurs at a position that is not conserved. In silico analysis is inconsistent in its predictions as to whether or not the variant is damaging to the protein structure/function. However, the T2647M variant is a non-conservative amino acid substitution, which is likely to impact secondary protein structure as these residues differ in polarity, charge, size and/or other properties.We interpret T2647M as a variant of uncertain significance.

ISTH-SSC Genomics in Thrombosis and Hemostasis, KU Leuven, Center for Molecular and Vascular Biology
Classification: Uncertain significance for von Willebrand disease type 1. Review status: criteria provided, single submitter. Criteria: ACMG Guidelines, 2015. Collection method: research. Allele origin: unknown. Affected: yes. Observed: 1 heterozygote.
Comment: Goldvariant submitter:Karyn Mégy, NIHR Bioresource - Cambridge University, UK

ISTH-SSC Genomics in Thrombosis and Hemostasis, KU Leuven, Center for Molecular and Vascular Biology
Classification: Uncertain significance for von Willebrand disease type 3. Review status: criteria provided, single submitter. Criteria: ACMG Guidelines, 2015. Collection method: clinical testing. Allele origin: paternal. Affected: yes. Observed: 1 compound heterozygote.
Comment: Goldvariant submitter:Kathleen Freson, Center for Molecular and Vascular Biology, Leuven, Belgium

Zotz-Klimas Genetics Lab, MVZ Zotz Klimas
Classification: Uncertain significance for von Willebrand disease type 1. Last evaluated: 2023-10-30. Review status: no assertion criteria provided. Collection method: clinical testing. Allele origin: germline. Affected: yes. Not counted in ClinVar's aggregate classification.

Academic Unit of Haematology, University of Sheffield
No classification provided. Review status: no classification provided. Collection method: not provided. Allele origin: not provided. Not counted in ClinVar's aggregate classification.

Clinical Genetics DNA and cytogenetics Diagnostics Lab, Erasmus MC, Erasmus Medical Center
Classification: Likely benign. Review status: no assertion criteria provided. Collection method: clinical testing. Allele origin: germline. Affected: yes. Study: VKGL Data-share Consensus. Not counted in ClinVar's aggregate classification.

Joint Genome Diagnostic Labs from Nijmegen and Maastricht, Radboudumc and MUMC+
Classification: Likely benign. Review status: no assertion criteria provided. Collection method: clinical testing. Allele origin: germline. Affected: yes. Study: VKGL Data-share Consensus. Not counted in ClinVar's aggregate classification.

Literature cited by the submitters: PubMed 17190853 (cited by Mayo Clinic Laboratories, Mayo Clinic and Quest Diagnostics Nichols Institute San Juan Capistrano); PubMed 17596142 (cited by Mayo Clinic Laboratories, Mayo Clinic); PubMed 22197721 (cited by Mayo Clinic Laboratories, Mayo Clinic and Quest Diagnostics Nichols Institute San Juan Capistrano); PubMed 31026269 (cited by Mayo Clinic Laboratories, Mayo Clinic and Quest Diagnostics Nichols Institute San Juan Capistrano); PubMed 31249928 (cited by Mayo Clinic Laboratories, Mayo Clinic); PubMed 33556167 (cited by Mayo Clinic Laboratories, Mayo Clinic and Quest Diagnostics Nichols Institute San Juan Capistrano); PubMed 34355501 (cited by 3 submitters); PubMed 38308883 (cited by Mayo Clinic Laboratories, Mayo Clinic); PubMed 39002731 (cited by Mayo Clinic Laboratories, Mayo Clinic and Quest Diagnostics Nichols Institute San Juan Capistrano); PubMed 40242192 (cited by Mayo Clinic Laboratories, Mayo Clinic); PubMed 19506361 (cited by Quest Diagnostics Nichols Institute San Juan Capistrano); PubMed 23216583 (cited by Quest Diagnostics Nichols Institute San Juan Capistrano); PubMed 31064749 (cited by Quest Diagnostics Nichols Institute San Juan Capistrano and NIHR Bioresource Rare Diseases, University of Cambridge); PubMed 31968368 (cited by Quest Diagnostics Nichols Institute San Juan Capistrano); PubMed 37466676 (cited by Quest Diagnostics Nichols Institute San Juan Capistrano).

NM_000552.5(VWF):c.7940C>T (p.Thr2647Met)

Gene: VWF (von Willebrand factor; minus strand). Cytogenetic location: 12p13.31.
Variant type: single nucleotide variant.
Coding change: c.7940C>T on transcript NM_000552.5 (MANE Select); coding-DNA position 7940, C replaced by T.
Protein change: p.Thr2647Met; replaces threonine 2647 with methionine.
Molecular consequence: missense variant.
Genome position (GRCh38, 1-based): chr12:5,953,542, G>A on the plus strand (C>T on the coding strand, the complement: VWF is on the minus strand). VCF-style: chr12-5953542-G-A. GRCh37 (hg19) VCF-style: chr12-6062708-G-A.
Other names: p.Thr2647Met; short protein forms T2647M.
Identifiers: ClinVar variation 100487 (VCV000100487.38), dbSNP rs61751302, ClinGen allele CA228819.
Genomic context (GRCh38, chr12:5,953,542, plus strand): 5'-CAGCTTGCTCCTACCTTCAGTGTCATGATCTGTCCTCCTCTTAGCTGAATGGTGCAAGCC[G>A]TAGGCAAACATCTCCCACAACATTCACCTGTGTTATTTTCTTCCTTGTAACCCTGCATCC-3'
Protein context (NP_000543.3, residues 2637-2657): TGECCGRCLP[Thr2647Met]ACTIQLRGGQ